The following is an entry in ClinVar:

NM_002528.7(NTHL1):c.81dup (p.Pro28fs)

Gene: NTHL1 (nth like DNA glycosylase 1; minus strand). Cytogenetic location: 16p13.3.
Variant type: Duplication.
Coding change: c.81dup on transcript NM_002528.7 (MANE Select); coding-DNA position 81, one base duplicated (G; older notation c.81dupG).
Protein change: p.Pro28fs; shifts the reading frame from proline 28.
Molecular consequence: frameshift variant. On other transcripts: 5 prime UTR variant (1).
Genome position (GRCh38, 1-based): chr16:2,047,743, C duplicated on the plus strand (G on the coding strand, the reverse complement: NTHL1 is on the minus strand). VCF-style (leftmost placement, unchanged base first): chr16-2047742-G-GC. GRCh37 (hg19) VCF-style: chr16-2097743-G-GC.
Other names: c.81dup, p.Pro28fs (NM_001318193.2); c.-98dup (NM_001318194.2); short protein forms P28fs.
Identifiers: ClinVar variation 2912581 (VCV002912581.3), dbSNP rs2537775651, ClinGen allele CA2571228136.

ClinVar aggregate classification (germline): Pathogenic (1 of 4 stars; one submission).

Allele frequency attached by ClinVar (database versions not stated): gnomAD exomes below 0.00001.

Submission:

Labcorp Genetics (formerly Invitae), Labcorp
Classification: Pathogenic. Last evaluated: 2022-09-19. Review status: criteria provided, single submitter. Criteria: Invitae Variant Classification Sherloc (09022015). Collection method: clinical testing. Allele origin: germline.
Comment: This sequence change creates a premature translational stop signal (p.Pro36Alafs*34) in the NTHL1 gene. It is expected to result in an absent or disrupted protein product. Loss-of-function variants in NTHL1 are known to be pathogenic (PMID: 25938944, 26559593). For these reasons, this variant has been classified as Pathogenic. This variant has not been reported in the literature in individuals affected with NTHL1-related conditions. This variant is not present in population databases (gnomAD no frequency).

Literature cited by the submitters: PubMed 25938944; PubMed 26559593.